The following is an entry in ClinVar:

ClinVar aggregate classification (germline): Uncertain significance (1 of 4 stars; one submission).

Allele frequency attached by ClinVar (database versions not stated): ExAC 0.00003; gnomAD exomes 0.00004 and 0.00007; TOPMed 0.00004; gnomAD 0.00005 and 0.00007; 1000 Genomes Project 0.00020; 1000 Genomes Project 30x 0.00031.
gnomAD v4.1: 111 of 1,614,204 alleles (0.0069%); highest among the groups gnomAD compares: South Asian, 0.013%; 1 homozygote.

Submission:

GeneDx
Classification: Uncertain significance. Last evaluated: 2013-09-18. Review status: criteria provided, single submitter. Criteria: GeneDx Variant Classification (06012015). Collection method: clinical testing. Allele origin: germline. Affected: yes.
Comment: p.Ala382Thr (GCA>ACA): c.1144 G>A in exon 2 of the ALDH1B1 gene (NM_000692.4). The A382T missense substitution has not been published as a mutation, nor has it been reported as a benign polymorphism to our knowledge. It has been listed in the dbSNP database as a polymorphism (rs201132163), but no frequency information was provided. A382T is a non-conservative amino acid substitution in that a non-polar Alanine residue is replaced by a polar Threonine residue. This change occurs at a highly conserved position in the ALDH1B1 protein, and multiple in-silico analysis programs predict that A382T is damaging to the ALDH1B1 protein. Based on the currently available information, it is unclear whether A382T is a disease-causing mutation or a rare benign variant. The variant is found in MITONUC-MITOP panel(s).

NM_000692.5(ALDH1B1):c.1144G>A (p.Ala382Thr)

Gene: ALDH1B1 (aldehyde dehydrogenase 1 family member B1; plus strand). Cytogenetic location: 9p13.1.
Variant type: single nucleotide variant.
Coding change: c.1144G>A on transcript NM_000692.5 (MANE Select); coding-DNA position 1144, G replaced by A.
Protein change: p.Ala382Thr; replaces alanine 382 with threonine.
Molecular consequence: missense variant.
Genome position (GRCh38, 1-based): chr9:38,396,892, G>A. VCF-style: chr9-38396892-G-A. GRCh37 (hg19) VCF-style: chr9-38396889-G-A.
Other names: p.A382T:GCA>ACA; short protein forms A382T.
Identifiers: ClinVar variation 214116 (VCV000214116.2), dbSNP rs201132163, ClinGen allele CA321673.
Genomic context (GRCh38, chr9:38,396,892, plus strand): 5'-GTGGACAAGGAGCAGTTTGAACGAGTCCTAGGCTACATCCAGCTTGGCCAGAAGGAGGGC[G>A]CAAAACTCCTCTGTGGCGGAGAGCGTTTCGGGGAGCGTGGTTTCTTCATCAAGCCTACTG-3'
Protein context (NP_000683.3, residues 372-392): GYIQLGQKEG[Ala382Thr]KLLCGGERFG